The following is an entry in ClinVar:

NM_000171.4(GLRA1):c.477-5C>T

Gene: GLRA1 (glycine receptor alpha 1; minus strand). Cytogenetic location: 5q33.1.
Variant type: single nucleotide variant.
Coding change: c.477-5C>T on transcript NM_000171.4 (MANE Select); 5 bases into the intron before coding-DNA position 477, C replaced by T.
Molecular consequence: intron variant.
Genome position (GRCh38, 1-based): chr5:151,856,388, G>A on the plus strand (C>T on the coding strand, the complement: GLRA1 is on the minus strand). VCF-style: chr5-151856388-G-A. GRCh37 (hg19) VCF-style: chr5-151235949-G-A.
Other names: c.228-5C>T (NM_001292000.2); c.477-5C>T (NM_001146040.2).
Identifiers: ClinVar variation 906752 (VCV000906752.14), dbSNP rs560187719, ClinGen allele CA129989462.

ClinVar aggregate classification (germline): Conflicting classifications of pathogenicity. Review status: criteria provided, conflicting classifications (1 of 4 stars). 3 submissions from 3 submitters: Uncertain significance (1); Likely benign (1). 1 of the submissions does not count toward it. Last evaluated 2023-08-03.

Conditions:
Hereditary hyperekplexia. Identifiers: Orphanet 3197, MedGen C4084968, MONDO:0021022.
Hyperekplexia 1 (STHE). Also called: HYPEREKPLEXIA 1, AUTOSOMAL DOMINANT; HYPEREKPLEXIA 1, AUTOSOMAL RECESSIVE; EXAGGERATED STARTLE REACTION; KOK DISEASE; STARTLE DISEASE, FAMILIAL; STIFF-BABY SYNDROME. Identifiers: Orphanet 3197, MedGen C4551954, MONDO:0007868, OMIM 149400.
GLRA1-related disorder. Also called: GLRA1-related condition.

Allele frequency attached by ClinVar (database versions not stated): gnomAD exomes 0.00001 and 0.00003; TOPMed 0.00001; gnomAD 0.00002.
gnomAD v4.1: 43 of 1,590,906 alleles (0.0027%); highest among the groups gnomAD compares: Non-Finnish European, 0.0035%; no homozygotes.

Submissions (3):

Labcorp Genetics (formerly Invitae), Labcorp
Classification: Likely benign for Hereditary hyperekplexia. Last evaluated: 2023-08-03. Review status: criteria provided, single submitter. Criteria: Invitae Variant Classification Sherloc (09022015). Collection method: clinical testing. Allele origin: germline.

Illumina Laboratory Services, Illumina
Classification: Uncertain significance for Hyperekplexia 1. Last evaluated: 2018-01-13. Review status: criteria provided, single submitter. Criteria: ICSL Variant Classification Criteria 13 December 2019. Collection method: clinical testing. Allele origin: germline.

PreventionGenetics, part of Exact Sciences
Classification: Likely benign for GLRA1-related condition. Last evaluated: 2024-02-28. Review status: no assertion criteria provided. Collection method: clinical testing. Allele origin: germline. Not counted in ClinVar's aggregate classification.
Comment: This variant is classified as likely benign based on ACMG/AMP sequence variant interpretation guidelines (Richards et al. 2015 PMID: 25741868, with internal and published modifications).